The following is an entry in ClinVar:

NM_001130144.3(LTBP3):c.1325G>A (p.Arg442His)

Gene: LTBP3 (latent transforming growth factor beta binding protein 3; minus strand). Cytogenetic location: 11q13.1.
Variant type: single nucleotide variant.
Coding change: c.1325G>A on transcript NM_001130144.3 (MANE Select); coding-DNA position 1325, G replaced by A.
Protein change: p.Arg442His; replaces arginine 442 with histidine.
Molecular consequence: missense variant.
Genome position (GRCh38, 1-based): chr11:65,552,268, C>T on the plus strand (G>A on the coding strand, the complement: LTBP3 is on the minus strand). VCF-style: chr11-65552268-C-T. GRCh37 (hg19) VCF-style: chr11-65319739-C-T.
Other names: c.1325G>A (NM_001130144.2); c.974G>A, p.Arg325His (NM_001164266.1); c.1325G>A, p.Arg442His (NM_021070.4); short protein forms R442H, R325H.
Identifiers: ClinVar variation 1477982 (VCV001477982.11), dbSNP rs959220350, ClinGen allele CA223968974.

ClinVar aggregate classification (germline): Uncertain significance. Review status: criteria provided, multiple submitters, no conflicts (2 of 4 stars). 3 submissions from 3 submitters: Uncertain significance (3). Last evaluated 2025-10-02.

Conditions:
Inborn genetic diseases. Identifiers: MedGen C0950123, MeSH D030342.
Brachyolmia-amelogenesis imperfecta syndrome. Also called: PLATYSPONDYLY WITH AMELOGENESIS IMPERFECTA; Tooth agenesis, selective, 6; Dental anomalies and short stature. Identifiers: Orphanet 2899, MedGen C1832594, MONDO:0011018, OMIM 601216. Disease mechanism: loss of function.

gnomAD v4.1: 2 of 1,614,122 alleles (0.00012%); highest among the groups gnomAD compares: Non-Finnish European, 0.00017%; no homozygotes.

Submissions (3):

Ambry Genetics
Classification: Uncertain significance for Inborn genetic diseases. Last evaluated: 2025-10-02. Review status: criteria provided, single submitter. Criteria: Ambry Variant Classification Scheme 2023. Collection method: clinical testing. Allele origin: germline.

Labcorp Genetics (formerly Invitae), Labcorp
Classification: Uncertain significance for Brachyolmia-amelogenesis imperfecta syndrome. Last evaluated: 2024-11-13. Review status: criteria provided, single submitter. Criteria: Invitae Variant Classification Sherloc (09022015). Collection method: clinical testing. Allele origin: germline.
Comment: This sequence change replaces arginine, which is basic and polar, with histidine, which is basic and polar, at codon 442 of the LTBP3 protein (p.Arg442His). This variant is not present in population databases (gnomAD no frequency). This variant has not been reported in the literature in individuals affected with LTBP3-related conditions. ClinVar contains an entry for this variant (Variation ID: 1477982). An algorithm developed to predict the effect of missense changes on protein structure and function (PolyPhen-2) suggests that this variant is likely to be disruptive. In summary, the available evidence is currently insufficient to determine the role of this variant in disease. Therefore, it has been classified as a Variant of Uncertain Significance.

Women's Health and Genetics/Laboratory Corporation of America, LabCorp
Classification: Uncertain significance. Last evaluated: 2024-02-02. Review status: criteria provided, single submitter. Criteria: LabCorp Variant Classification Summary - May 2015. Collection method: clinical testing. Allele origin: germline.
Comment: Variant summary: LTBP3 c.1325G>A (p.Arg442His) results in a non-conservative amino acid change located in the second TGF-beta binding (TB) domain (IPR017878) of the encoded protein sequence. Five of five in-silico tools predict a damaging effect of the variant on protein function. The variant allele was found at a frequency of 1.4e-06 in 1456064 control chromosomes (gnomAD v4). The available data on variant occurrences in the general population are insufficient to allow any conclusion about variant significance. To our knowledge, no occurrence of c.1325G>A in individuals affected with LTBP3-Related Disorders and no experimental evidence demonstrating its impact on protein function have been reported. ClinVar contains an entry for this variant (Variation ID: 1477982). Based on the evidence outlined above, the variant was classified as uncertain significance.